The following is an entry in ClinVar:

NM_002691.4(POLD1):c.1091T>G (p.Leu364Arg)

Gene: POLD1 (DNA polymerase delta 1, catalytic subunit; plus strand). Cytogenetic location: 19q13.33.
Variant type: single nucleotide variant.
Coding change: c.1091T>G on transcript NM_002691.4 (MANE Select); coding-DNA position 1091, T replaced by G.
Protein change: p.Leu364Arg; replaces leucine 364 with arginine.
Molecular consequence: missense variant. On other transcripts: non-coding transcript variant (1).
Genome position (GRCh38, 1-based): chr19:50,403,173, T>G. VCF-style: chr19-50403173-T-G. GRCh37 (hg19) VCF-style: chr19-50906430-T-G.
Other names: c.1091T>G, p.Leu364Arg (NM_001256849.1, NM_001308632.1); short protein forms L364R.
Identifiers: ClinVar variation 1023242 (VCV001023242.11), dbSNP rs947583054, ClinGen allele CA406978307.

ClinVar aggregate classification (germline): Uncertain significance. Review status: criteria provided, multiple submitters, no conflicts (2 of 4 stars). 2 submissions from 2 submitters: Uncertain significance (2). Last evaluated 2024-04-15.

Conditions:
Hereditary cancer-predisposing syndrome. Also called: Tumor predisposition; Hereditary Cancer Syndrome; Hereditary neoplastic syndrome; Neoplastic Syndromes, Hereditary. Identifiers: Orphanet 140162, MedGen C0027672, MeSH D009386, MONDO:0015356.
POLD1-related polyposis and colorectal cancer syndrome (CRCS10). Also called: Colorectal cancer 10; COLORECTAL CANCER, SUSCEPTIBILITY TO, ON CHROMOSOME 19q; Colorectal cancer, susceptibility to, 10. Identifiers: Orphanet 220460, MedGen C2675481, MONDO:0012953, OMIM 612591.

gnomAD v4.1: 1 of 1,562,584 alleles (0.000064%); highest among the groups gnomAD compares: Non-Finnish European, 0.000087%; no homozygotes.

Submissions (2):

Labcorp Genetics (formerly Invitae), Labcorp
Classification: Uncertain significance for POLD1-related polyposis and colorectal cancer syndrome. Last evaluated: 2024-04-15. Review status: criteria provided, single submitter. Criteria: Invitae Variant Classification Sherloc (09022015). Collection method: clinical testing. Allele origin: germline.
Comment: This sequence change replaces leucine, which is neutral and non-polar, with arginine, which is basic and polar, at codon 364 of the POLD1 protein (p.Leu364Arg). This variant is not present in population databases (gnomAD no frequency). This variant has not been reported in the literature in individuals affected with POLD1-related conditions. ClinVar contains an entry for this variant (Variation ID: 1023242). Advanced modeling of protein sequence and biophysical properties (such as structural, functional, and spatial information, amino acid conservation, physicochemical variation, residue mobility, and thermodynamic stability) performed at Invitae indicates that this missense variant is not expected to disrupt POLD1 protein function with a negative predictive value of 80%. In summary, the available evidence is currently insufficient to determine the role of this variant in disease. Therefore, it has been classified as a Variant of Uncertain Significance.

Ambry Genetics
Classification: Uncertain significance for Hereditary cancer-predisposing syndrome. Last evaluated: 2022-04-12. Review status: criteria provided, single submitter. Criteria: Ambry Variant Classification Scheme 2023. Collection method: clinical testing. Allele origin: germline.
Comment: The p.L364R variant (also known as c.1091T>G), located in coding exon 8 of the POLD1 gene, results from a T to G substitution at nucleotide position 1091. The leucine at codon 364 is replaced by arginine, an amino acid with dissimilar properties. This amino acid position is conserved. In addition, this alteration is predicted to be tolerated by in silico analysis. Since supporting evidence is limited at this time, the clinical significance of this alteration remains unclear.